The following is an entry in ClinVar:

ClinVar aggregate classification (germline): Likely pathogenic (1 of 4 stars; one submission).

Submission:

Quest Diagnostics Nichols Institute San Juan Capistrano
Classification: Likely pathogenic. Last evaluated: 2022-09-30. Review status: criteria provided, single submitter. Criteria: Quest Diagnostics criteria. Collection method: clinical testing. Allele origin: unknown.
Comment: This frameshift variant alters the translational reading frame of the MSH6 mRNA and is predicted to cause the premature termination of MSH6 protein synthesis. To the best of our knowledge, the variant has not been reported in online databases or the published literature. It also has not been reported in large, multi-ethnic general populations. Based on the available information, this variant is classified as likely pathogenic.

NM_000179.3(MSH6):c.1549_1589del (p.Ile517fs)

Gene: MSH6 (mutS homolog 6; plus strand). Cytogenetic location: 2p16.3.
Variant type: Deletion.
Coding change: c.1549_1589del on transcript NM_000179.3 (MANE Select); coding-DNA positions 1549 to 1589, 41 bases deleted.
Protein change: p.Ile517fs; shifts the reading frame from isoleucine 517.
Molecular consequence: frameshift variant. On other transcripts: non-coding transcript variant (4), intron variant (1).
Genome position (GRCh38, 1-based): chr2:47,799,532-47,799,572, 41 bases deleted. GRCh37 (hg19): chr2:48,026,671-48,026,711.
Other names: c.1549_1589del41, p.Ile517Serfs (NM_000179.2); c.1159_1199del, p.Ile387fs (NM_001281492.2); c.643_683del, p.Ile215fs (NM_001281493.2, NM_001281494.2, NM_001406811.1 and 6 more transcripts); c.1645_1685del, p.Ile549fs (NM_001406795.1, NM_001406802.1); c.1549_1589del, p.Ile517fs (NM_001406796.1, NM_001406798.1, NM_001406800.1 and 4 more transcripts); c.1252_1292del, p.Ile418fs (NM_001406797.1, NM_001406801.1, NM_001406805.1 and 10 more transcripts); c.1024_1064del, p.Ile342fs (NM_001406799.1, NM_001406806.1, NM_001406807.1); c.1471_1511del, p.Ile491fs (NM_001406804.1); and 3 more; short protein forms I215fs, I342fs, I387fs, I418fs, I461fs, I491fs, I517fs, I519fs.
Identifiers: ClinVar variation 2682019 (VCV002682019.1), dbSNP rs2530615577, ClinGen allele CA2697548141.